The following is an entry in ClinVar:

NM_022455.5(NSD1):c.6464-8G>T

Gene: NSD1 (nuclear receptor binding SET domain protein 1; plus strand). Cytogenetic location: 5q35.3.
Variant type: single nucleotide variant.
Coding change: c.6464-8G>T on transcript NM_022455.5 (MANE Select); 8 bases into the intron before coding-DNA position 6464, G replaced by T.
Molecular consequence: intron variant.
Genome position (GRCh38, 1-based): chr5:177,293,824, G>T. VCF-style: chr5-177293824-G-T. GRCh37 (hg19) VCF-style: chr5-176720825-G-T.
Other names: c.6464-8G>T (NM_001409301.1, NM_001409302.1, NM_001409303.1); c.6044-8G>T (NM_001409304.1); c.5711-8G>T (NM_001409305.1); c.5702-8G>T (NM_001409306.1, NM_001409307.1); c.5591-8G>T (NM_001409308.1, NM_172349.5, NM_001365684.2); c.5342-8G>T (NM_001409309.1).
Identifiers: ClinVar variation 501388 (VCV000501388.18), dbSNP rs577262396, ClinGen allele CA3578017.

ClinVar aggregate classification (germline): Conflicting classifications of pathogenicity. Review status: criteria provided, conflicting classifications (1 of 4 stars). 4 submissions from 4 submitters: Uncertain significance (1); Likely benign (2). 1 of the submissions does not count toward it. Last evaluated 2025-12-29.

Conditions:
NSD1-related disorder. Also called: NSD1-related condition.
Sotos syndrome (SOTOS). Also called: Distinctive facial appearance, overgrowth in childhood, and learning disabilities or delayed development; CEREBRAL GIGANTISM; Sotos' syndrome; CHROMOSOME 5q35 DELETION SYNDROME; SOTOS SYNDROME 1. Identifiers: Orphanet 821, MedGen C0175695, MONDO:0019349, OMIM 117550.

Allele frequency attached by ClinVar (database versions not stated): gnomAD 0.00019 and 0.00018; 1000 Genomes Project 30x 0.00016; gnomAD exomes 0.00002 and 0.00005; ExAC 0.00008; TOPMed 0.00018; 1000 Genomes Project 0.00020.
gnomAD v4.1: 50 of 1,613,988 alleles (0.0031%); highest among the groups gnomAD compares: African/African-American, 0.056%; no homozygotes.

Submissions (4):

Labcorp Genetics (formerly Invitae), Labcorp
Classification: Likely benign. Last evaluated: 2025-12-29. Review status: criteria provided, single submitter. Criteria: Invitae Variant Classification Sherloc (09022015). Collection method: clinical testing. Allele origin: germline.

Genome-Nilou Lab
Classification: Likely benign for Sotos syndrome. Last evaluated: 2021-07-15. Review status: criteria provided, single submitter. Criteria: ACMG Guidelines, 2015. Collection method: clinical testing. Allele origin: germline. Affected: no.

Eurofins Ntd Llc (ga)
Classification: Uncertain significance. Last evaluated: 2017-05-03. Review status: criteria provided, single submitter. Criteria: EGL Classification Definitions 2015. Collection method: clinical testing. Allele origin: germline. Observed: 1 variant allele, 1 heterozygote.

PreventionGenetics, part of Exact Sciences
Classification: Likely benign for NSD1-related condition. Last evaluated: 2023-07-28. Review status: no assertion criteria provided. Collection method: clinical testing. Allele origin: germline. Not counted in ClinVar's aggregate classification.
Comment: This variant is classified as likely benign based on ACMG/AMP sequence variant interpretation guidelines (Richards et al. 2015 PMID: 25741868, with internal and published modifications).